The following is an entry in ClinVar:

ClinVar aggregate classification (germline): Uncertain significance (1 of 4 stars; one submission).

Submission:

Labcorp Genetics (formerly Invitae), Labcorp
Classification: Uncertain significance. Last evaluated: 2021-09-27. Review status: criteria provided, single submitter. Criteria: Invitae Variant Classification Sherloc (09022015). Collection method: clinical testing. Allele origin: germline.
Comment: This sequence change replaces glutamine with proline at codon 136 of the ADAMTS18 protein (p.Gln136Pro). The glutamine residue is weakly conserved and there is a moderate physicochemical difference between glutamine and proline. In summary, the available evidence is currently insufficient to determine the role of this variant in disease. Therefore, it has been classified as a Variant of Uncertain Significance. Algorithms developed to predict the effect of missense changes on protein structure and function are either unavailable or do not agree on the potential impact of this missense change (SIFT: "Not Available"; PolyPhen-2: "Benign"; Align-GVGD: "Not Available"). This variant has not been reported in the literature in individuals affected with ADAMTS18-related conditions. This variant is not present in population databases (ExAC no frequency).

NM_199355.4(ADAMTS18):c.407A>C (p.Gln136Pro)

Gene: ADAMTS18 (ADAM metallopeptidase with thrombospondin type 1 motif 18; minus strand). Cytogenetic location: 16q23.1.
Variant type: single nucleotide variant.
Coding change: c.407A>C on transcript NM_199355.4 (MANE Select); coding-DNA position 407, A replaced by C.
Protein change: p.Gln136Pro; replaces glutamine 136 with proline.
Molecular consequence: missense variant. On other transcripts: 5 prime UTR variant (1).
Genome position (GRCh38, 1-based): chr16:77,431,383, T>G on the plus strand (A>C on the coding strand, the complement: ADAMTS18 is on the minus strand). VCF-style: chr16-77431383-T-G. GRCh37 (hg19) VCF-style: chr16-77465280-T-G.
Other names: c.-114A>C (NM_001326358.2); short protein forms Q136P.
Identifiers: ClinVar variation 1486533 (VCV001486533.6), dbSNP rs2144867984, ClinGen allele CA396851170.
Genomic context (GRCh38, chr16:77,431,383, plus strand): 5'-GAGGAGGAGCTGTCATTTCTGATAAATCCCTGATAGAAGCATTGCTGCACCTCGGGTTTC[T>G]GAGTCTCTGAAGCACCATCTTTTCCAAGTACCTGGACAATAAAGTGACTGCTCAAAATCG-3'
Protein context (NP_955387.1, residues 126-146): VLGKDGASET[Gln136Pro]KPEVQQCFYQ